The following is an entry in ClinVar:

NM_001102401.4(TTI2):c.709A>G (p.Thr237Ala)

Gene: TTI2 (TELO2 interacting protein 2; minus strand). Cytogenetic location: 8p12.
Variant type: single nucleotide variant.
Coding change: c.709A>G on transcript NM_001102401.4 (MANE Select); coding-DNA position 709, A replaced by G.
Protein change: p.Thr237Ala; replaces threonine 237 with alanine.
Molecular consequence: missense variant.
Genome position (GRCh38, 1-based): chr8:33,509,871, T>C on the plus strand (A>G on the coding strand, the complement: TTI2 is on the minus strand). VCF-style: chr8-33509871-T-C. GRCh37 (hg19) VCF-style: chr8-33367389-T-C.
Other names: c.709A>G, p.Thr237Ala (NM_001265581.2, NM_001330505.3, NM_025115.5); c.709A>G (NM_001102401.2); short protein forms T237A.
Identifiers: ClinVar variation 2463492 (VCV002463492.4), dbSNP rs750649409, ClinGen allele CA4707274.

ClinVar aggregate classification (germline): Uncertain significance. Review status: criteria provided, multiple submitters, no conflicts (2 of 4 stars). 2 submissions from 2 submitters: Uncertain significance (2). Last evaluated 2025-02-20.

Conditions:
Inborn genetic diseases. Identifiers: MedGen C0950123, MeSH D030342.

Allele frequency attached by ClinVar (database versions not stated): ExAC 0.00002; TOPMed 0.00003; gnomAD 0.00004; gnomAD exomes 0.00005.
gnomAD v4.1: 37 of 1,613,454 alleles (0.0023%); highest among the groups gnomAD compares: Admixed American, 0.062%; no homozygotes.

Submissions (2):

Ambry Genetics
Classification: Uncertain significance for Inborn genetic diseases. Last evaluated: 2025-02-20. Review status: criteria provided, single submitter. Criteria: Ambry Variant Classification Scheme 2023. Collection method: clinical testing. Allele origin: germline.

GeneDx
Classification: Uncertain significance. Last evaluated: 2022-11-15. Review status: criteria provided, single submitter. Criteria: GeneDx Variant Classification Process June 2021. Collection method: clinical testing. Allele origin: germline. Affected: yes.
Comment: In silico analysis supports that this missense variant does not alter protein structure/function; Has not been previously published as pathogenic or benign to our knowledge